The following is an entry in ClinVar:

ClinVar aggregate classification (germline): Uncertain significance (1 of 4 stars; one submission).

Conditions:
Pyogenic arthritis-pyoderma gangrenosum-acne syndrome (PAPA). Also called: PAPA SYNDROME; FAMILIAL RECURRENT ARTHRITIS. Identifiers: Orphanet 69126, MedGen C1858361, MONDO:0011462, OMIM 604416.

Submission:

Labcorp Genetics (formerly Invitae), Labcorp
Classification: Uncertain significance for Pyogenic arthritis-pyoderma gangrenosum-acne syndrome. Last evaluated: 2024-08-26. Review status: criteria provided, single submitter. Criteria: Invitae Variant Classification Sherloc (09022015). Collection method: clinical testing. Allele origin: germline.
Comment: This sequence change creates a premature translational stop signal (p.Trp396*) in the PSTPIP1 gene. While this is not anticipated to result in nonsense mediated decay, it is expected to disrupt the last 21 amino acid(s) of the PSTPIP1 protein. This variant is not present in population databases (gnomAD no frequency). This variant has not been reported in the literature in individuals affected with PSTPIP1-related conditions. Experimental studies and prediction algorithms are not available or were not evaluated, and the functional significance of this variant is currently unknown. In summary, the available evidence is currently insufficient to determine the role of this variant in disease. Therefore, it has been classified as a Variant of Uncertain Significance.

NM_003978.5(PSTPIP1):c.1187_1188insA (p.Trp396Ter)

Gene: PSTPIP1 (proline-serine-threonine phosphatase interacting protein 1; plus strand). Cytogenetic location: 15q24.3.
Variant type: Insertion.
Coding change: c.1187_1188insA on transcript NM_003978.5 (MANE Select); coding-DNA positions 1187 to 1188, A inserted.
Protein change: p.Trp396Ter; replaces tryptophan 396 with a stop codon.
Molecular consequence: nonsense. On other transcripts: non-coding transcript variant (1).
Genome position: GRCh38 VCF-style: chr15-77037112-G-GA. GRCh37 (hg19) VCF-style: chr15-77329453-G-GA.
Other names: c.1130_1131insA, p.Trp377Ter (NM_001321135.2); c.1160_1161insA, p.Trp387Ter (NM_001321136.2); c.1382_1383insA, p.Trp461Ter (NM_001321137.1); c.1178_1179insA, p.Trp393Ter (NM_001411086.1); short protein forms W393*, W396*, W461*, W387*, W377*.
Identifiers: ClinVar variation 3663398 (VCV003663398.2).
Genomic context (GRCh38, chr15:77,037,112, plus strand): 5'-ATGAGCTGGACCTGTCCGCGGGAGACATCCTGGAGGTGATCCTGGAAGGGGAGGATGGCT[G>GA]GTGGACTGTGGAGAGGAACGGGCAGCGTGGCTTCGTCCCTGGTTCCTACCTGGAGAAGCT-3'